The following is an entry in ClinVar:

NM_001130144.3(LTBP3):c.989C>T (p.Pro330Leu)

Gene: LTBP3 (latent transforming growth factor beta binding protein 3; minus strand). Cytogenetic location: 11q13.1.
Variant type: single nucleotide variant.
Coding change: c.989C>T on transcript NM_001130144.3 (MANE Select); coding-DNA position 989, C replaced by T.
Protein change: p.Pro330Leu; replaces proline 330 with leucine.
Molecular consequence: missense variant.
Genome position (GRCh38, 1-based): chr11:65,553,238, G>A on the plus strand (C>T on the coding strand, the complement: LTBP3 is on the minus strand). VCF-style: chr11-65553238-G-A. GRCh37 (hg19) VCF-style: chr11-65320709-G-A.
Other names: c.638C>T, p.Pro213Leu (NM_001164266.1); c.989C>T, p.Pro330Leu (NM_021070.4); short protein forms P330L, P213L.
Identifiers: ClinVar variation 548546 (VCV000548546.42), dbSNP rs28403592, ClinGen allele CA6101104.

ClinVar aggregate classification (germline): Conflicting classifications of pathogenicity. Review status: criteria provided, conflicting classifications (1 of 4 stars). 6 submissions from 6 submitters: Uncertain significance (1); Likely benign (4). 1 of the submissions does not count toward it. Last evaluated 2026-04-01.

Conditions:
Geleophysic dysplasia 3. Identifiers: MedGen C4540511, MONDO:0054722, OMIM 617809.
Inborn genetic diseases. Identifiers: MedGen C0950123, MeSH D030342.
Brachyolmia-amelogenesis imperfecta syndrome. Also called: PLATYSPONDYLY WITH AMELOGENESIS IMPERFECTA; Tooth agenesis, selective, 6; Dental anomalies and short stature. Identifiers: Orphanet 2899, MedGen C1832594, MONDO:0011018, OMIM 601216. Disease mechanism: loss of function.
LTBP3-related disorder. Also called: LTBP3-related condition.

Allele frequency attached by ClinVar (database versions not stated): 1000 Genomes Project 0.00100; TOPMed 0.00112; ExAC 0.00140; 1000 Genomes Project 30x 0.00141; gnomAD exomes 0.00167 and 0.00058; ESP Exome Variant Server 0.00015; gnomAD 0.00056 and 0.00064.
gnomAD v4.1: 933 of 1,614,106 alleles (0.058%); highest among the groups gnomAD compares: East Asian, 0.78%; 2 homozygotes.

Submissions (6):

CeGaT Center for Human Genetics Tuebingen
Classification: Likely benign. Last evaluated: 2026-04-01. Review status: criteria provided, single submitter. Criteria: CeGaT Center For Human Genetics Tuebingen Variant Classification Criteria Version 2. Collection method: clinical testing. Allele origin: germline. Affected: yes. Observed: 4 variant alleles.
Comment: LTBP3: BS2

Labcorp Genetics (formerly Invitae), Labcorp
Classification: Likely benign for Brachyolmia-amelogenesis imperfecta syndrome. Last evaluated: 2026-01-22. Review status: criteria provided, single submitter. Criteria: Invitae Variant Classification Sherloc (09022015). Collection method: clinical testing. Allele origin: germline.

Blueprint Genetics
Classification: Likely benign. Last evaluated: 2024-11-26. Review status: criteria provided, single submitter. Criteria: ACMG Guidelines, 2015. Collection method: clinical testing. Allele origin: germline.

Ambry Genetics
Classification: Likely benign for Inborn genetic diseases. Last evaluated: 2023-01-01. Review status: criteria provided, single submitter. Criteria: Ambry Variant Classification Scheme 2023. Collection method: clinical testing. Allele origin: germline.

Genomic Research Center, Shahid Beheshti University of Medical Sciences
Classification: Uncertain significance for Geleophysic dysplasia 3. Last evaluated: 2018-03-05. Review status: criteria provided, single submitter. Criteria: ACMG Guidelines, 2015. Collection method: clinical testing. Allele origin: inherited. Affected: no. Observed: 1 variant allele.

PreventionGenetics, part of Exact Sciences
Classification: Benign for LTBP3-related condition. Last evaluated: 2019-08-08. Review status: no assertion criteria provided. Collection method: clinical testing. Allele origin: germline. Not counted in ClinVar's aggregate classification.
Comment: This variant is classified as benign based on ACMG/AMP sequence variant interpretation guidelines (Richards et al. 2015 PMID: 25741868, with internal and published modifications).